The following is an entry in ClinVar:

NM_001999.4(FBN2):c.6575G>C (p.Gly2192Ala)

Gene: FBN2 (fibrillin 2; minus strand). Cytogenetic location: 5q23.3.
Variant type: single nucleotide variant.
Coding change: c.6575G>C on transcript NM_001999.4 (MANE Select); coding-DNA position 6575, G replaced by C.
Protein change: p.Gly2192Ala; replaces glycine 2192 with alanine.
Molecular consequence: missense variant.
Genome position (GRCh38, 1-based): chr5:128,289,189, C>G on the plus strand (G>C on the coding strand, the complement: FBN2 is on the minus strand). VCF-style: chr5-128289189-C-G. GRCh37 (hg19) VCF-style: chr5-127624881-C-G.
Other names: short protein forms G2192A.
Identifiers: ClinVar variation 2695636 (VCV002695636.3), dbSNP rs2479677889, ClinGen allele CA360761095.

ClinVar aggregate classification (germline): Uncertain significance (1 of 4 stars; one submission).

Conditions:
Congenital contractural arachnodactyly (CCA). Also called: Beals-Hecht syndrome; BEALS SYNDROME; Arthrogryposis, distal, type 9. Identifiers: Orphanet 115, MedGen C0220668, MONDO:0007363, OMIM 121050.

gnomAD v4.1: 1 of 1,613,824 alleles (0.000062%); highest among the groups gnomAD compares: South Asian, 0.0011%; no homozygotes.

Submission:

Labcorp Genetics (formerly Invitae), Labcorp
Classification: Uncertain significance for Congenital contractural arachnodactyly. Last evaluated: 2023-06-06. Review status: criteria provided, single submitter. Criteria: Invitae Variant Classification Sherloc (09022015). Collection method: clinical testing. Allele origin: germline.
Comment: This variant is not present in population databases (gnomAD no frequency). This sequence change replaces glycine, which is neutral and non-polar, with alanine, which is neutral and non-polar, at codon 2192 of the FBN2 protein (p.Gly2192Ala). In summary, the available evidence is currently insufficient to determine the role of this variant in disease. Therefore, it has been classified as a Variant of Uncertain Significance. Advanced modeling of protein sequence and biophysical properties (such as structural, functional, and spatial information, amino acid conservation, physicochemical variation, residue mobility, and thermodynamic stability) performed at Invitae indicates that this missense variant is expected to disrupt FBN2 protein function. This variant has not been reported in the literature in individuals affected with FBN2-related conditions.